The following is an entry in ClinVar:

ClinVar aggregate classification (germline): Benign (1 of 4 stars; one submission).

Allele frequency attached by ClinVar (database versions not stated): 1000 Genomes Project 0.00240; 1000 Genomes Project 30x 0.00265; gnomAD 0.00368 and 0.00385; TOPMed 0.00398.

Submission:

CeGaT Center for Human Genetics Tuebingen
Classification: Benign. Last evaluated: 2022-05-01. Review status: criteria provided, single submitter. Criteria: CeGaT Center For Human Genetics Tuebingen Variant Classification Criteria Version 2. Collection method: clinical testing. Allele origin: germline. Affected: yes. Observed: 1 variant allele.
Comment: STX16: BS1, BS2

NM_001001433.3(STX16):c.*651_*653dup

Genes: STX16 (syntaxin 16; plus strand), STX16-NPEPL1 (STX16-NPEPL1 readthrough (NMD candidate); plus strand). Cytogenetic location: 20q13.32.
Variant type: Duplication.
Coding change: c.*651_*653dup on transcript NM_001001433.3 (MANE Select); 651 bases downstream of the stop codon through 653 bases downstream of the stop codon, 3 bases duplicated (TAA; older notation c.*651_*653dupTAA).
Molecular consequence: 3 prime UTR variant. On other transcripts: non-coding transcript variant (3).
Genome position (GRCh38, 1-based): chr20:58,676,942-58,676,944, TAA duplicated. VCF-style (leftmost placement, unchanged base first): chr20-58676941-T-TTAA. GRCh37 (hg19) VCF-style: chr20-57251997-T-TTAA.
Other names: c.*651_*653dup (NM_001134772.3, NM_001134773.3, NM_001204868.2 and 1 more transcripts).
Identifiers: ClinVar variation 339067 (VCV000339067.29), dbSNP rs566135029, ClinGen allele CA10653300.